The following is an entry in ClinVar:

ClinVar aggregate classification (germline): Pathogenic (1 of 4 stars; one submission).

Conditions:
Severe X-linked myotubular myopathy (CNMX). Also called: MYOTUBULAR MYOPATHY 1; X-linked centronuclear myopathy; Myotubular myopathy, X-linked. Identifiers: Orphanet 596, MedGen C0410203, MONDO:0010683, OMIM 310400.

Submission:

Labcorp Genetics (formerly Invitae), Labcorp
Classification: Pathogenic for Severe X-linked myotubular myopathy. Last evaluated: 2022-08-09. Review status: criteria provided, single submitter. Criteria: Invitae Variant Classification Sherloc (09022015). Collection method: clinical testing. Allele origin: germline.
Comment: For these reasons, this variant has been classified as Pathogenic. ClinVar contains an entry for this variant (Variation ID: 1072286). This variant has not been reported in the literature in individuals affected with MTM1-related conditions. This variant is not present in population databases (gnomAD no frequency). This sequence change creates a premature translational stop signal (p.Lys516*) in the MTM1 gene. It is expected to result in an absent or disrupted protein product. Loss-of-function variants in MTM1 are known to be pathogenic (PMID: 9305655, 10063835).

Literature cited by the submitters: PubMed 9305655; PubMed 10063835.

NM_000252.3(MTM1):c.1546A>T (p.Lys516Ter)

Gene: MTM1 (myotubularin 1; plus strand). Cytogenetic location: Xq28.
Variant type: single nucleotide variant.
Coding change: c.1546A>T on transcript NM_000252.3 (MANE Select); coding-DNA position 1546, A replaced by T.
Protein change: p.Lys516Ter; replaces lysine 516 with a stop codon.
Molecular consequence: nonsense.
Genome position (GRCh38, 1-based): chrX:150,663,511, A>T. VCF-style: chrX-150663511-A-T. GRCh37 (hg19) VCF-style: chrX-149831984-A-T.
Other names: c.1546A>T, p.Lys516Ter (NM_001376906.1, NM_001376908.1); c.1435A>T, p.Lys479Ter (NM_001376907.1); short protein forms K479*, K516*.
Identifiers: ClinVar variation 1072286 (VCV001072286.7), dbSNP rs868972342, ClinGen allele CA415260223.